The following is an entry in ClinVar:

NM_000277.3(PAH):c.907T>G (p.Ser303Ala)

Genes: PAH (phenylalanine hydroxylase; minus strand), LOC126861615 (CDK7 strongly-dependent group 2 enhancer GRCh37_chr12:103244689-103245888; plus strand). Cytogenetic location: 12q23.2.
Variant type: single nucleotide variant.
Coding change: c.907T>G on transcript NM_000277.3 (MANE Select); coding-DNA position 907, T replaced by G.
Protein change: p.Ser303Ala; replaces serine 303 with alanine.
Molecular consequence: missense variant.
Genome position (GRCh38, 1-based): chr12:102,851,692, A>C on the plus strand (T>G on the coding strand, the complement: PAH is on the minus strand). VCF-style: chr12-102851692-A-C. GRCh37 (hg19) VCF-style: chr12-103245470-A-C.
Other names: c.907T>G, p.Ser303Ala (NM_001354304.2); short protein forms S303A.
Identifiers: ClinVar variation 102890 (VCV000102890.2), dbSNP rs199475608, ClinGen allele CA229842.

ClinVar aggregate classification (germline): Likely pathogenic. Review status: reviewed by expert panel (3 of 4 stars). 2 submissions from 2 submitters: Likely pathogenic (1). 1 of the submissions does not count toward it. Last evaluated 2021-01-18.

Conditions:
Phenylketonuria (PKU). Also called: Phenylketonuria (PKU); FOLLING DISEASE; OLIGOPHRENIA PHENYLPYRUVICA; Phenylketonurias. Identifiers: Orphanet 716, MedGen C0031485, MONDO:0009861, OMIM 261600. Disease mechanism: loss of function.

Submissions (2):

ClinGen PAH Variant Curation Expert Panel
Classification: Likely pathogenic for Phenylketonuria. Last evaluated: 2021-01-18. Review status: reviewed by expert panel. Criteria: ClinGen PAH ACMG Specifications v1. Collection method: curation. Allele origin: germline. Inheritance: Autosomal recessive inheritance.
Comment: The c.907T>G (p.Ser303Ala) variant in PAH has been reported in 3 individuals with PAH deficiency (BH4 deficiency excluded). (PP4_Moderate; PMID: 23430859, 23500595, 24941924, 27121329). This variant is absent in population databases (PM2). This variant was detected in 2 patients in trans with p.G46S (PMID: 27121329) (this variant is Pathogenic in ClinVar by 5 submitters, ID G46S) and with c.673C>A p.(Pro225Thr) (PMID: 24941924, parental analysis not described) (this variant is Pathogenic in ClinVar by 4 submitters, ID 102779). Computational evidence predicts a deleterious effect. In summary, this variant meets criteria to be classified as likely pathogenic for PAH. PAH-specific ACMG/AMP criteria applied: PM3_strong, PP4_Moderate, PM2, PP3.

DeBelle Laboratory for Biochemical Genetics, MUHC/MCH RESEARCH INSTITUTE
No classification provided. Review status: no classification provided. Collection method: not provided. Allele origin: not provided. Not counted in ClinVar's aggregate classification.